The following is an entry in ClinVar:

ClinVar aggregate classification (germline): Uncertain significance. Review status: criteria provided, multiple submitters, no conflicts (2 of 4 stars). 2 submissions from 2 submitters: Uncertain significance (2). Last evaluated 2024-04-01.

Conditions:
Hereditary cancer-predisposing syndrome. Also called: Hereditary Cancer Syndrome; Tumor predisposition; Neoplastic Syndromes, Hereditary; Hereditary neoplastic syndrome. Identifiers: Orphanet 140162, MedGen C0027672, MeSH D009386, MONDO:0015356.
Tuberous sclerosis 2 (TSC2). Identifiers: Orphanet 805, MedGen C1860707, MONDO:0013199, OMIM 613254.

Submissions (2):

Labcorp Genetics (formerly Invitae), Labcorp
Classification: Uncertain significance for Tuberous sclerosis 2. Last evaluated: 2024-04-01. Review status: criteria provided, single submitter. Criteria: Invitae Variant Classification Sherloc (09022015). Collection method: clinical testing. Allele origin: germline.
Comment: This sequence change replaces glycine, which is neutral and non-polar, with alanine, which is neutral and non-polar, at codon 956 of the TSC2 protein (p.Gly956Ala). This variant is not present in population databases (gnomAD no frequency). This variant has not been reported in the literature in individuals affected with TSC2-related conditions. Advanced modeling of protein sequence and biophysical properties (such as structural, functional, and spatial information, amino acid conservation, physicochemical variation, residue mobility, and thermodynamic stability) performed at Invitae indicates that this missense variant is not expected to disrupt TSC2 protein function with a negative predictive value of 95%. In summary, the available evidence is currently insufficient to determine the role of this variant in disease. Therefore, it has been classified as a Variant of Uncertain Significance.

Ambry Genetics
Classification: Uncertain significance for Hereditary cancer-predisposing syndrome. Last evaluated: 2023-10-26. Review status: criteria provided, single submitter. Criteria: Ambry Variant Classification Scheme 2023. Collection method: clinical testing. Allele origin: germline.
Comment: The p.G956A variant (also known as c.2867G>C), located in coding exon 25 of the TSC2 gene, results from a G to C substitution at nucleotide position 2867. The glycine at codon 956 is replaced by alanine, an amino acid with similar properties. This amino acid position is conserved. In addition, the in silico prediction for this alteration is inconclusive. Since supporting evidence is limited at this time, the clinical significance of this alteration remains unclear.

NM_000548.5(TSC2):c.2867G>C (p.Gly956Ala)

Gene: TSC2 (TSC complex subunit 2; plus strand). Cytogenetic location: 16p13.3.
Variant type: single nucleotide variant.
Coding change: c.2867G>C on transcript NM_000548.5 (MANE Select); coding-DNA position 2867, G replaced by C.
Protein change: p.Gly956Ala; replaces glycine 956 with alanine.
Molecular consequence: missense variant. On other transcripts: intron variant (31).
Genome position (GRCh38, 1-based): chr16:2,077,627, G>C. VCF-style: chr16-2077627-G-C. GRCh37 (hg19) VCF-style: chr16-2127628-G-C.
Other names: c.2867G>C, p.Gly956Ala (NM_001114382.3, NM_001406663.1, NM_001406664.1); c.2756G>C, p.Gly919Ala (NM_001406670.1); c.2720G>C, p.Gly907Ala (NM_001406675.1, NM_001406676.1); c.2267G>C, p.Gly756Ala (NM_001406680.1, NM_001406682.1, NM_001406683.1 and 1 more transcripts); c.1523G>C, p.Gly508Ala (NM_001406689.1); c.1493+1042G>C (NM_001406693.1, NM_001406690.1, NM_001406692.1 and 5 more transcripts); c.2927+1042G>C (NM_001406667.1, NM_001406668.1); c.2237+1042G>C (NM_001406687.1, NM_001406685.1, NM_001318831.2 and 2 more transcripts); and 8 more; short protein forms G508A, G756A, G907A, G919A, G956A.
Identifiers: ClinVar variation 3232127 (VCV003232127.3), dbSNP rs2151413781, ClinGen allele CA394280928.